The following is an entry in ClinVar:

NM_003922.4(HERC1):c.14543C>T (p.Ser4848Leu)

Gene: HERC1 (HECT and RLD domain containing E3 ubiquitin protein ligase family member 1; minus strand). Cytogenetic location: 15q22.31.
Variant type: single nucleotide variant.
Coding change: c.14543C>T on transcript NM_003922.4 (MANE Select); coding-DNA position 14543, C replaced by T.
Protein change: p.Ser4848Leu; replaces serine 4848 with leucine.
Molecular consequence: missense variant.
Genome position (GRCh38, 1-based): chr15:63,609,124, G>A on the plus strand (C>T on the coding strand, the complement: HERC1 is on the minus strand). VCF-style: chr15-63609124-G-A. GRCh37 (hg19) VCF-style: chr15-63901323-G-A.
Other names: short protein forms S4848L.
Identifiers: ClinVar variation 2189023 (VCV002189023.4), dbSNP rs749757338, ClinGen allele CA7603462.

ClinVar aggregate classification (germline): Uncertain significance (1 of 4 stars; one submission).

Allele frequency attached by ClinVar (database versions not stated): ExAC 0.00001; gnomAD exomes 0.00002; TOPMed 0.00002.
gnomAD v4.1: 29 of 1,613,926 alleles (0.0018%); highest among the groups gnomAD compares: East Asian, 0.0022%; no homozygotes.

Submission:

Labcorp Genetics (formerly Invitae), Labcorp
Classification: Uncertain significance. Last evaluated: 2022-10-17. Review status: criteria provided, single submitter. Criteria: Invitae Variant Classification Sherloc (09022015). Collection method: clinical testing. Allele origin: germline.
Comment: In summary, the available evidence is currently insufficient to determine the role of this variant in disease. Therefore, it has been classified as a Variant of Uncertain Significance. Advanced modeling of protein sequence and biophysical properties (such as structural, functional, and spatial information, amino acid conservation, physicochemical variation, residue mobility, and thermodynamic stability) performed at Invitae indicates that this missense variant is not expected to disrupt HERC1 protein function. This variant has not been reported in the literature in individuals affected with HERC1-related conditions. This variant is present in population databases (rs749757338, gnomAD 0.006%). This sequence change replaces serine, which is neutral and polar, with leucine, which is neutral and non-polar, at codon 4848 of the HERC1 protein (p.Ser4848Leu).